The following is an entry in ClinVar:

ClinVar aggregate classification (germline): Uncertain significance (1 of 4 stars; one submission).

Conditions:
KBG syndrome (KBGS). Also called: ANKRD11-Related KBG Syndrome. Identifiers: Orphanet 2332, MedGen C0220687, MONDO:0007846, OMIM 148050.

Submission:

New York Genome Center
Classification: Uncertain significance for KBG syndrome. Last evaluated: 2021-07-23. Review status: criteria provided, single submitter. Criteria: NYGC Assertion Criteria 2020. Collection method: clinical testing. Allele origin: germline. Observed: 1 heterozygote. Study: CSER-NYCKidSeq.
Comment: The heterozygous variant c.1357A>G, p.Lys453Glu identified in the ANKRD11 gene has not been reported in the literature in individuals with ANKRD11-related conditions. This variant is absent in gnomAD v3.1.1, suggesting it is not a common benign variant in the populations represented in this database. In silico algorithms predict a conflicting interpretation of pathogenicity. Given the lack of compelling evidence for its pathogenicity, the c.1357A>G, p.Lys453Glu variant identified in the ANKRD11 gene is reported as a Variant of Uncertain Significance.

NM_013275.6(ANKRD11):c.1357A>G (p.Lys453Glu)

Gene: ANKRD11 (ankyrin repeat domain 11; minus strand). Cytogenetic location: 16q24.3.
Variant type: single nucleotide variant.
Coding change: c.1357A>G on transcript NM_013275.6 (MANE Select); coding-DNA position 1357, A replaced by G.
Protein change: p.Lys453Glu; replaces lysine 453 with glutamic acid.
Molecular consequence: missense variant.
Genome position (GRCh38, 1-based): chr16:89,285,185, T>C on the plus strand (A>G on the coding strand, the complement: ANKRD11 is on the minus strand). VCF-style: chr16-89285185-T-C. GRCh37 (hg19) VCF-style: chr16-89351593-T-C.
Other names: c.1357A>G, p.Lys453Glu (NM_001256182.2, NM_001256183.2); short protein forms K453E.
Identifiers: ClinVar variation 1696585 (VCV001696585.1), dbSNP rs2151764903, ClinGen allele CA397165130.
Genomic context (GRCh38, chr16:89,285,185, plus strand): 5'-TCCGCTTTCCGAAGCGAACCTCTCTGCCTTTTGTTTCTTTCTTTCGCTTCTTTTTCACTT[T>C]ATTTTTTTCCTTCTGCTGCTTGGCATTAGAAGGCTCTCGTGTCTTACTACCAGGCAATAT-3'
Protein context (NP_037407.4, residues 443-463): SNAKQQKEKN[Lys453Glu]VKKKRKKETK